The following is an entry in ClinVar:

ClinVar aggregate classification (germline): Uncertain significance (0 of 4 stars; one submission).

Submission:

Department of Pathology and Laboratory Medicine, Sinai Health System
Classification: Uncertain significance. Review status: no assertion criteria provided. Collection method: clinical testing. Allele origin: unknown. Affected: yes. Study: The Canadian Open Genetics Repository (COGR).
Comment: The NDUFAF6 p.Arg32His variant was not identified in the literature nor was it identified in the ClinVar, Cosmic, MutDB, and LOVD 3.0 databases. The variant was identified in dbSNP (ID: rs1192597043). The variant was not identified in the following control databases: the 1000 Genomes Project, the NHLBI GO Exome Sequencing Project, the Exome Aggregation Consortium (August 8th 2016), or the Genome Aggregation Database (Feb 27, 2017). Four of four in silico or splicing prediction programs (SpliceSiteFinder-Like, MaxEntScan, NNSplice, GeneSplicer) predict no impact on splicing. The p.Arg32 residue is not conserved in mammals and four out of five computational analyses (PolyPhen-2, AlignGVGD, BLOSUM, and MutationTaster) do not suggest a high likelihood of impact to the protein; however, this information is not predictive enough to rule out pathogenicity. In summary, based on the above information the clinical significance of this variant cannot be determined with certainty at this time. This variant is classified as a variant of uncertain significance.

NM_152416.4(NDUFAF6):c.95G>A (p.Arg32His)

Genes: NDUFAF6 (NADH:ubiquinone oxidoreductase complex assembly factor 6; plus strand), LOC113788297 (Sharpr-MPRA regulatory region 2014; plus strand). Cytogenetic location: 8q22.1.
Variant type: single nucleotide variant.
Coding change: c.95G>A on transcript NM_152416.4 (MANE Select); coding-DNA position 95, G replaced by A.
Protein change: p.Arg32His; replaces arginine 32 with histidine.
Molecular consequence: missense variant. On other transcripts: 5 prime UTR variant (12), non-coding transcript variant (6), intron variant (7).
Genome position (GRCh38, 1-based): chr8:95,025,103, G>A. VCF-style: chr8-95025103-G-A. GRCh37 (hg19) VCF-style: chr8-96037331-G-A.
Other names: c.-186G>A (NM_001330582.2, NM_001354521.2); c.-139G>A (NM_001354517.2); c.-358G>A (NM_001354518.2); c.-354G>A (NM_001354519.2); c.-703G>A (NM_001354527.2); c.-674G>A (NM_001354528.2); c.-486G>A (NM_001354529.2); c.-588G>A (NM_001354530.2); and 8 more; short protein forms R32H.
Identifiers: ClinVar variation 1048985 (VCV001048985.1), dbSNP rs1192597043, ClinGen allele CA371742640.